The following is an entry in ClinVar:

ClinVar aggregate classification (germline): Uncertain significance (1 of 4 stars; one submission).

Submission:

Labcorp Genetics (formerly Invitae), Labcorp
Classification: Uncertain significance. Last evaluated: 2021-10-10. Review status: criteria provided, single submitter. Criteria: Invitae Variant Classification Sherloc (09022015). Collection method: clinical testing. Allele origin: germline.
Comment: In summary, the available evidence is currently insufficient to determine the role of this variant in disease. Therefore, it has been classified as a Variant of Uncertain Significance. Algorithms developed to predict the effect of missense changes on protein structure and function are either unavailable or do not agree on the potential impact of this missense change (SIFT: "Tolerated"; PolyPhen-2: "Probably Damaging"; Align-GVGD: "Class C0"). This variant has not been reported in the literature in individuals affected with SNX10-related conditions. This variant is not present in population databases (ExAC no frequency). This sequence change replaces aspartic acid with asparagine at codon 114 of the SNX10 protein (p.Asp114Asn). The aspartic acid residue is highly conserved and there is a small physicochemical difference between aspartic acid and asparagine.

NM_013322.3(SNX10):c.340G>A (p.Asp114Asn)

Gene: SNX10 (sorting nexin 10; plus strand). Cytogenetic location: 7p15.2.
Variant type: single nucleotide variant.
Coding change: c.340G>A on transcript NM_013322.3 (MANE Select); coding-DNA position 340, G replaced by A.
Protein change: p.Asp114Asn; replaces aspartic acid 114 with asparagine.
Molecular consequence: missense variant.
Genome position (GRCh38, 1-based): chr7:26,371,849, G>A. VCF-style: chr7-26371849-G-A. GRCh37 (hg19) VCF-style: chr7-26411469-G-A.
Other names: c.340G>A, p.Asp114Asn (NM_001199835.1, NM_001318199.3); c.331G>A, p.Asp111Asn (NM_001199837.3); c.88G>A, p.Asp30Asn (NM_001199838.2); c.418G>A, p.Asp140Asn (NM_001318198.1, NM_001362753.1, NM_001362754.1); short protein forms D114N, D140N, D30N, D111N.
Identifiers: ClinVar variation 1372160 (VCV001372160.6), dbSNP rs1238426623, ClinGen allele CA367228545.